The following is an entry in ClinVar:

NM_002150.3(HPD):c.476G>A (p.Gly159Glu)

Genes: HPD (4-hydroxyphenylpyruvate dioxygenase; minus strand), TIALD (transcript inducer of AURKA lysosomal degradation; plus strand). Cytogenetic location: 12q24.31.
Variant type: single nucleotide variant.
Coding change: c.476G>A on transcript NM_002150.3 (MANE Select); coding-DNA position 476, G replaced by A.
Protein change: p.Gly159Glu; replaces glycine 159 with glutamic acid.
Molecular consequence: missense variant.
Genome position (GRCh38, 1-based): chr12:121,849,729, C>T on the plus strand (G>A on the coding strand, the complement: HPD is on the minus strand). VCF-style: chr12-121849729-C-T. GRCh37 (hg19) VCF-style: chr12-122287635-C-T.
Other names: c.359G>A, p.Gly120Glu (NM_001171993.2); short protein forms G159E, G120E.
Identifiers: ClinVar variation 4036110 (VCV004036110.2).

ClinVar aggregate classification (germline): Uncertain significance. Review status: criteria provided, multiple submitters, no conflicts (2 of 4 stars). 2 submissions from 2 submitters: Uncertain significance (2). Last evaluated 2025-04-28.

Conditions:
Inborn genetic diseases. Identifiers: MedGen C0950123, MeSH D030342.

gnomAD v4.1: 12 of 1,613,828 alleles (0.00074%); highest among the groups gnomAD compares: Admixed American, 0.018%; no homozygotes.

Submissions (2):

GeneDx
Classification: Uncertain significance. Last evaluated: 2025-04-28. Review status: criteria provided, single submitter. Criteria: GeneDx Variant Classification Process June 2021. Collection method: clinical testing. Allele origin: germline. Affected: yes.
Comment: In silico analysis supports that this missense variant has a deleterious effect on protein structure/function; Has not been previously published as pathogenic or benign to our knowledge

Ambry Genetics
Classification: Uncertain significance for Inborn genetic diseases. Last evaluated: 2025-03-19. Review status: criteria provided, single submitter. Criteria: Ambry Variant Classification Scheme 2023. Collection method: clinical testing. Allele origin: germline.